The following is an entry in ClinVar:

NM_003000.3(SDHB):c.626C>G (p.Pro209Arg)

Gene: SDHB (succinate dehydrogenase complex iron sulfur subunit B; minus strand). Cytogenetic location: 1p36.13.
Variant type: single nucleotide variant.
Coding change: c.626C>G on transcript NM_003000.3 (MANE Select); coding-DNA position 626, C replaced by G.
Protein change: p.Pro209Arg; replaces proline 209 with arginine.
Molecular consequence: missense variant.
Genome position (GRCh38, 1-based): chr1:17,023,989, G>C on the plus strand (C>G on the coding strand, the complement: SDHB is on the minus strand). VCF-style: chr1-17023989-G-C. GRCh37 (hg19) VCF-style: chr1-17350484-G-C.
Other names: short protein forms P209R.
Identifiers: ClinVar variation 951476 (VCV000951476.7), dbSNP rs2077977622, ClinGen allele CA338270953.
Genomic context (GRCh38, chr1:17,023,989, plus strand): 5'-GCTTGAGTTTCAATTTCTCTTAAAGCAATTAAGGAGCACCTCACCTGCATAAGAACTGCA[G>C]GCCCCAGATATTTGTCTCCGTTCCACCAGTAGCTGGGGCAGCTGGTGCTACAGCAGGCAC-3'
Protein context (NP_002991.2, residues 199-219): YWWNGDKYLG[Pro209Arg]AVLMQAYRWM

ClinVar aggregate classification (germline): Uncertain significance (1 of 4 stars; one submission).

Conditions:
Gastrointestinal stromal tumor. Also called: Gastrointestinal stromal tumor, somatic; Gastrointestinal stroma tumor. Identifiers: Orphanet 44890, MedGen C0238198, MeSH D046152, MONDO:0011719, OMIM 606764, HP:0100723.
Pheochromocytoma/paraganglioma syndrome 4. Also called: CAROTID BODY TUMORS AND MULTIPLE EXTRAADRENAL PHEOCHROMOCYTOMAS; SDHB-Related Hereditary Paraganglioma-Pheochromocytoma Syndrome; Paragangliomas 4; SDHB-Related Hereditary Paraganglioma-Pheochromocytoma Syndrome (Paragangliomas 4); PARAGANGLIOMA, FAMILIAL MALIGNANT; PARAGANGLIOMAS, HEREDITARY EXTRAADRENAL. Identifiers: Orphanet 29072, MedGen C1861848, MONDO:0007273, OMIM 115310.
Pheochromocytoma. Also called: MAX-Related Hereditary Paraganglioma-Pheochromocytoma Syndrome. Identifiers: Orphanet 29072, MedGen C0031511, MONDO:0008233, OMIM 171300, HP:0002666.

Submission:

Labcorp Genetics (formerly Invitae), Labcorp
Classification: Uncertain significance for Gastrointestinal stromal tumor; Pheochromocytoma/paraganglioma syndrome 4; Pheochromocytoma. Last evaluated: 2019-06-22. Review status: criteria provided, single submitter. Criteria: Invitae Variant Classification Sherloc (09022015). Collection method: clinical testing. Allele origin: germline.
Comment: This sequence change replaces proline with arginine at codon 209 of the SDHB protein (p.Pro209Arg). The proline residue is highly conserved and there is a moderate physicochemical difference between proline and arginine. This variant is not present in population databases (ExAC no frequency). This variant has not been reported in the literature in individuals with SDHB-related conditions. Algorithms developed to predict the effect of missense changes on protein structure and function (SIFT, PolyPhen-2, Align-GVGD) all suggest that this variant is likely to be disruptive, but these predictions have not been confirmed by published functional studies and their clinical significance is uncertain. In summary, the available evidence is currently insufficient to determine the role of this variant in disease. Therefore, it has been classified as a Variant of Uncertain Significance.